The following is an entry in ClinVar:

ClinVar aggregate classification (germline): Likely benign (0 of 4 stars; one submission).

Conditions:
PLXNA3-related disorder. Also called: PLXNA3-related condition.

gnomAD v4.1: 1 of 1,210,433 alleles (0.000083%); highest among the groups gnomAD compares: African/African-American, 0.0017%; no homozygotes.

Submission:

PreventionGenetics, part of Exact Sciences
Classification: Likely benign for PLXNA3-related condition. Last evaluated: 2023-07-11. Review status: no assertion criteria provided. Collection method: clinical testing. Allele origin: germline.
Comment: This variant is classified as likely benign based on ACMG/AMP sequence variant interpretation guidelines (Richards et al. 2015 PMID: 25741868, with internal and published modifications).

NM_017514.5(PLXNA3):c.5061C>T (p.Pro1687=)

Gene: PLXNA3 (plexin A3; plus strand). Cytogenetic location: Xq28.
Variant type: single nucleotide variant.
Coding change: c.5061C>T on transcript NM_017514.5 (MANE Select); coding-DNA position 5061, C replaced by T.
Protein change: p.Pro1687=; no amino-acid change (proline 1687 retained).
Molecular consequence: synonymous variant.
Genome position (GRCh38, 1-based): chrX:154,470,516, C>T. VCF-style: chrX-154470516-C-T. GRCh37 (hg19) VCF-style: chrX-153698859-C-T.
Identifiers: ClinVar variation 3356725 (VCV003356725.1).